The following is an entry in ClinVar:

NM_007363.5(NONO):c.1402C>T (p.Arg468Cys)

Gene: NONO (non-POU domain containing octamer binding; plus strand). Cytogenetic location: Xq13.1.
Variant type: single nucleotide variant.
Coding change: c.1402C>T on transcript NM_007363.5 (MANE Select); coding-DNA position 1402, C replaced by T.
Protein change: p.Arg468Cys; replaces arginine 468 with cysteine.
Molecular consequence: missense variant.
Genome position (GRCh38, 1-based): chrX:71,300,062, C>T. VCF-style: chrX-71300062-C-T. GRCh37 (hg19) VCF-style: chrX-70519912-C-T.
Other names: c.1402C>T, p.Arg468Cys (NM_001145408.2, NM_001145409.2); c.1135C>T, p.Arg379Cys (NM_001145410.2); short protein forms R379C, R468C.
Identifiers: ClinVar variation 2832797 (VCV002832797.3), dbSNP rs2031544710, ClinGen allele CA413550695.
Genomic context (GRCh38, chrX:71,300,062, plus strand): 5'-GGTGGAACTCCTCCTGCATTCAACCGTGCAGCTCCTGGAGCTGAATTTGCCCCAAACAAA[C>T]GTCGCCGATACTAATAAGTTGCAGTGTCTAGTTTCTCAAAACCCTTAAAAGAAGGACCCT-3'
Protein context (NP_031389.3, residues 458-471): APGAEFAPNK[Arg468Cys]RRY

ClinVar aggregate classification (germline): Uncertain significance (1 of 4 stars; one submission).

Allele frequency attached by ClinVar (database versions not stated): gnomAD exomes below 0.00001; TOPMed below 0.00001.
gnomAD v4.1: 1 of 1,210,883 alleles (0.000083%); highest among the groups gnomAD compares: Non-Finnish European, 0.00011%; no homozygotes.

Submission:

Labcorp Genetics (formerly Invitae), Labcorp
Classification: Uncertain significance. Last evaluated: 2023-01-29. Review status: criteria provided, single submitter. Criteria: Invitae Variant Classification Sherloc (09022015). Collection method: clinical testing. Allele origin: germline.
Comment: In summary, the available evidence is currently insufficient to determine the role of this variant in disease. Therefore, it has been classified as a Variant of Uncertain Significance. Algorithms developed to predict the effect of missense changes on protein structure and function are either unavailable or do not agree on the potential impact of this missense change (SIFT: "Deleterious"; PolyPhen-2: "Possibly Damaging"; Align-GVGD: "Class C0"). This variant has not been reported in the literature in individuals affected with NONO-related conditions. This variant is not present in population databases (gnomAD no frequency). This sequence change replaces arginine, which is basic and polar, with cysteine, which is neutral and slightly polar, at codon 468 of the NONO protein (p.Arg468Cys).